The following is an entry in ClinVar:

ClinVar aggregate classification (germline): Uncertain significance (1 of 4 stars; one submission).

Conditions:
Developmental and epileptic encephalopathy, 62. Also called: Early infantile epileptic encephalopathy 62. Identifiers: MedGen C4693699, MONDO:0033371, OMIM 617938.
Epilepsy, familial focal, with variable foci 4 (FFEVF4). Identifiers: MedGen C4693694, MONDO:0054776, OMIM 617935.

Submission:

Juno Genomics, Hangzhou Juno Genomics, Inc
Classification: Uncertain significance for Developmental and epileptic encephalopathy, 62; Epilepsy, familial focal, with variable foci 4. Review status: criteria provided, single submitter. Criteria: ACMG Guidelines, 2015. Collection method: clinical testing. Allele origin: germline.
Comment: Missense variant in a gene that has a low rate of benign missense variation.;Multiple lines of computational evidence support a deleterious effect on the gene or gene product.;Absent from controls (or at extremely low frequency if recessive) in Genome Aggregation Database.

NM_006922.4(SCN3A):c.532T>A (p.Phe178Ile)

Gene: SCN3A (sodium voltage-gated channel alpha subunit 3; minus strand). Cytogenetic location: 2q24.3.
Variant type: single nucleotide variant.
Coding change: c.532T>A on transcript NM_006922.4 (MANE Select); coding-DNA position 532, T replaced by A.
Protein change: p.Phe178Ile; replaces phenylalanine 178 with isoleucine.
Molecular consequence: missense variant.
Genome position (GRCh38, 1-based): chr2:165,164,462, A>T on the plus strand (T>A on the coding strand, the complement: SCN3A is on the minus strand). VCF-style: chr2-165164462-A-T. GRCh37 (hg19) VCF-style: chr2-166020972-A-T.
Other names: c.532T>A, p.Phe178Ile (NM_001081676.2, NM_001081677.2); short protein forms F178I.
Identifiers: ClinVar variation 5006109 (VCV005006109.2).